The following is an entry in ClinVar:

ClinVar aggregate classification (germline): Pathogenic (1 of 4 stars; one submission).

Conditions:
Tuberous sclerosis 2 (TSC2). Identifiers: Orphanet 805, MedGen C1860707, MONDO:0013199, OMIM 613254.

Submission:

Labcorp Genetics (formerly Invitae), Labcorp
Classification: Pathogenic for Tuberous sclerosis 2. Last evaluated: 2025-05-04. Review status: criteria provided, single submitter. Criteria: Invitae Variant Classification Sherloc (09022015). Collection method: clinical testing. Allele origin: germline.
Comment: This sequence change is expected to alter the c-terminus of the TSC2 protein (p.Gln1724Hisfs*103). While this is not anticipated to result in nonsense mediated decay, it is expected to disrupt the last 84 amino acid(s) of the TSC2 protein and extend the protein by 18 additional amino acid residues. This variant is not present in population databases (gnomAD no frequency). This variant has not been reported in the literature in individuals affected with TSC2-related conditions. This variant disrupts a region of the TSC2 protein in which other variant(s) (p.Ile1747Asn) have been determined to be pathogenic (PMID: 36030538; internal data). This suggests that this is a clinically significant region of the protein, and that variants that disrupt it are likely to be disease-causing. For these reasons, this variant has been classified as Pathogenic.

Literature cited by the submitters: PubMed 36030538.

NM_000548.5(TSC2):c.5170_5171dup (p.Gln1724fs)

Gene: TSC2 (TSC complex subunit 2; plus strand). Cytogenetic location: 16p13.3.
Variant type: Microsatellite.
Coding change: c.5170_5171dup on transcript NM_000548.5 (MANE Select); coding-DNA positions 5170 to 5171, 2 bases duplicated (CA; older notation c.5170_5171dupCA).
Protein change: p.Gln1724fs; shifts the reading frame from glutamine 1724.
Molecular consequence: frameshift variant. On other transcripts: non-coding transcript variant (5), splice acceptor variant (1).
Genome position (GRCh38, 1-based): chr16:2,088,236-2,088,237, CA duplicated; duplicating any 2 consecutive bases within chr16:2,088,234-2,088,237 gives the same sequence; the c. name uses the placement nearest the transcript's 3' end. VCF-style (leftmost placement, unchanged base first): chr16-2088233-T-TCA. GRCh37 (hg19) VCF-style: chr16-2138234-T-TCA.
Other names: c.4969_4970dup, p.Gln1657fs (NM_001077183.3); c.5101_5102dup, p.Gln1701fs (NM_001114382.3); c.4861_4862dup, p.Gln1621fs (NM_001318827.2); c.4825_4826dup, p.Gln1609fs (NM_001318829.2); c.4438_4439dup, p.Gln1480fs (NM_001318831.2); c.5002_5003dup, p.Gln1668fs (NM_001318832.2); c.4957_4958dup, p.Gln1653fs (NM_001406673.1); c.4954_4955dup, p.Gln1652fs (NM_001406675.1); and 27 more; short protein forms Q1209fs, Q1457fs, Q1480fs, Q1609fs, Q1621fs, Q1638fs, Q1654fs, Q1658fs.
Identifiers: ClinVar variation 4718593 (VCV004718593.1).
Genomic context (GRCh38, chr16:2,088,233, plus strand): 5'-GGACAGGCCCAGGTGCCACCTGATAGTGAGCTCACCCCCTGCCTACGTCCCCAGATGGCC[T>TCA]CACAGGTGCATCATAGCCGCTCCAACCCCACCGATATCTACCCCTCCAAGTGGATTGCCC-3'